The following is an entry in ClinVar:

ClinVar aggregate classification (germline): Uncertain significance (1 of 4 stars; one submission).

Submission:

Labcorp Genetics (formerly Invitae), Labcorp
Classification: Uncertain significance. Last evaluated: 2022-10-24. Review status: criteria provided, single submitter. Criteria: Invitae Variant Classification Sherloc (09022015). Collection method: clinical testing. Allele origin: germline.
Comment: This sequence change replaces threonine, which is neutral and polar, with serine, which is neutral and polar, at codon 3 of the FAM161A protein (p.Thr3Ser). This variant is not present in population databases (gnomAD no frequency). This variant has not been reported in the literature in individuals affected with FAM161A-related conditions. Algorithms developed to predict the effect of missense changes on protein structure and function output the following: SIFT: "Tolerated"; PolyPhen-2: "Benign"; Align-GVGD: "Class C0". The serine amino acid residue is found in multiple mammalian species, which suggests that this missense change does not adversely affect protein function. In summary, the available evidence is currently insufficient to determine the role of this variant in disease. Therefore, it has been classified as a Variant of Uncertain Significance.

NM_001201543.2(FAM161A):c.7A>T (p.Thr3Ser)

Gene: FAM161A (FAM161 centrosomal protein A; minus strand). Cytogenetic location: 2p15.
Variant type: single nucleotide variant.
Coding change: c.7A>T on transcript NM_001201543.2 (MANE Select); coding-DNA position 7, A replaced by T.
Protein change: p.Thr3Ser; replaces threonine 3 with serine.
Molecular consequence: missense variant. On other transcripts: non-coding transcript variant (1).
Genome position (GRCh38, 1-based): chr2:61,854,035, T>A on the plus strand (A>T on the coding strand, the complement: FAM161A is on the minus strand). VCF-style: chr2-61854035-T-A. GRCh37 (hg19) VCF-style: chr2-62081170-T-A.
Other names: c.7A>T, p.Thr3Ser (NM_032180.3); short protein forms T3S.
Identifiers: ClinVar variation 2048234 (VCV002048234.1), dbSNP rs1572902995, ClinGen allele CA346990133.